The following is an entry in ClinVar:

ClinVar aggregate classification (germline): Uncertain significance (1 of 4 stars; one submission).

Submission:

GeneDx
Classification: Uncertain significance. Last evaluated: 2023-03-13. Review status: criteria provided, single submitter. Criteria: GeneDx Variant Classification Process June 2021. Collection method: clinical testing. Allele origin: germline. Affected: yes.
Comment: Not observed at significant frequency in large population cohorts (gnomAD); In silico analysis supports that this missense variant does not alter protein structure/function; Has not been previously published as pathogenic or benign to our knowledge

NM_001079872.2(CUL4B):c.2158G>A (p.Glu720Lys)

Gene: CUL4B (cullin 4B; minus strand). Cytogenetic location: Xq24.
Variant type: single nucleotide variant.
Coding change: c.2158G>A on transcript NM_001079872.2 (MANE Select); coding-DNA position 2158, G replaced by A.
Protein change: p.Glu720Lys; replaces glutamic acid 720 with lysine.
Molecular consequence: missense variant.
Genome position (GRCh38, 1-based): chrX:120,535,832, C>T on the plus strand (G>A on the coding strand, the complement: CUL4B is on the minus strand). VCF-style: chrX-120535832-C-T. GRCh37 (hg19) VCF-style: chrX-119669687-C-T.
Other names: c.2173G>A, p.Glu725Lys (NM_001330624.2); c.1624G>A, p.Glu542Lys (NM_001369145.1); c.2212G>A, p.Glu738Lys (NM_003588.4); short protein forms E542K, E720K, E725K, E738K.
Identifiers: ClinVar variation 2580008 (VCV002580008.1), dbSNP rs867783098, ClinGen allele CA334121988.
Genomic context (GRCh38, chrX:120,535,832, plus strand): 5'-ATGACCTAAACATTAAAGATAAAGATGAAAACTAAAAGTTTTGGGAACATCCACTTACCT[C>T]TTTAAATTCTGCTTTTAACACACAGTGTCCTAGGGTTGACTGCCACTGAAGTTTCCTGCC-3'
Protein context (NP_001073341.1, residues 710-730): GHCVLKAEFK[Glu720Lys]GKKELQVSLF